The following is an entry in ClinVar:

NM_020822.3(KCNT1):c.862G>A (p.Gly288Ser)

Gene: KCNT1 (potassium sodium-activated channel subfamily T member 1; plus strand). Cytogenetic location: 9q34.3.
Variant type: single nucleotide variant.
Coding change: c.862G>A on transcript NM_020822.3 (MANE Select); coding-DNA position 862, G replaced by A.
Protein change: p.Gly288Ser; replaces glycine 288 with serine.
Molecular consequence: missense variant.
Genome position (GRCh38, 1-based): chr9:135,759,686, G>A. VCF-style: chr9-135759686-G-A. GRCh37 (hg19) VCF-style: chr9-138651532-G-A.
Other names: p.Gly288Ser; c.727G>A, p.Gly243Ser (NM_001272003.2); short protein forms G288S, G243S.
Identifiers: ClinVar variation 126421 (VCV000126421.66), dbSNP rs587777264, ClinGen allele CA151134.
Genomic context (GRCh38, chr9:135,759,686, plus strand): 5'-ACGGCCCCCCAGCTCCTGGGCCCCAGGCCGCCCCTCACTGCCAGGGGTTGCAGGACCTGC[G>A]GCATCCAGCACCTGGAGCGGGCGGGCGAGAACCTGTCCCTCCTGACCTCCTTCTACTTCT-3'
Protein context (NP_065873.2, residues 278-298): LLCLVFTGTC[Gly288Ser]IQHLERAGEN

ClinVar aggregate classification (germline): Pathogenic. Review status: criteria provided, multiple submitters, no conflicts (2 of 4 stars). 19 submissions from 19 submitters: Pathogenic (15). 4 of the submissions do not count toward it. Last evaluated 2026-01-18.

Conditions:
KCNT1-related disorder. Also called: KCNT1-related condition.
Developmental and epileptic encephalopathy, 14 (DEE14). Also called: Early infantile epileptic encephalopathy 14. Identifiers: Orphanet 293181, MedGen C3554195, MONDO:0013989, OMIM 614959.
Autosomal dominant nocturnal frontal lobe epilepsy 5. Also called: Epilepsy, nocturnal frontal lobe, 5; CILIARY DYSKINESIA, PRIMARY, 28, WITHOUT SITUS INVERSUS; CILIARY DYSKINESIA, PRIMARY, 28, WITH SITUS INVERSUS; KCNT1-Related Epilepsy. Identifiers: Orphanet 98784, MedGen C3554306, MONDO:0014002, OMIM 615005.
Epilepsy. Also called: Seizure disorder. Identifiers: MedGen C0014544, MeSH D004827, MONDO:0005027.

Allele frequency attached by ClinVar (database versions not stated): gnomAD exomes below 0.00001.
gnomAD v4.1: 1 of 1,605,068 alleles (0.000062%); highest among the groups gnomAD compares: Non-Finnish European, 0.000085%; no homozygotes.

Submissions 1 to 10 of 19:

Labcorp Genetics (formerly Invitae), Labcorp
Classification: Pathogenic for Autosomal dominant nocturnal frontal lobe epilepsy 5; Developmental and epileptic encephalopathy, 14. Last evaluated: 2026-01-18. Review status: criteria provided, single submitter. Criteria: Invitae Variant Classification Sherloc (09022015). Collection method: clinical testing. Allele origin: germline.
Comment: This sequence change replaces glycine, which is neutral and non-polar, with serine, which is neutral and polar, at codon 288 of the KCNT1 protein (p.Gly288Ser). This variant is not present in population databases (gnomAD no frequency). This missense change has been observed in individual(s) with epilepsy, most of whom displayed malignant migrating partial seizures in infancy (PMID: 24029078, 26122718, 26140313, 26597493). In at least one individual the variant was observed to be de novo. ClinVar contains an entry for this variant (Variation ID: 126421). Invitae Evidence Modeling of protein sequence and biophysical properties (such as structural, functional, and spatial information, amino acid conservation, physicochemical variation, residue mobility, and thermodynamic stability) has been performed for this missense variant. However, the output from this modeling did not meet the statistical confidence thresholds required to predict the impact of this variant on KCNT1 protein function. For these reasons, this variant has been classified as Pathogenic.

3billion
Classification: Pathogenic for Developmental and epileptic encephalopathy, 14. Last evaluated: 2025-12-18. Review status: criteria provided, single submitter. Criteria: ACMG Guidelines, 2015. Collection method: clinical testing. Allele origin: germline. Affected: yes.
Comment: The variant is observed at an extremely low frequency in the gnomAD v4.1.0 dataset (total allele frequency: <0.001%). Predicted Consequence/Location: Missense variant. Missense changes are a common disease-causing mechanism. Functional studies provide strong evidence of the variant having a damaging effect on the gene or gene product (PMID: 26784557). In silico tool predictions suggest damaging effect of the variant on gene or gene product [3Cnet: 0.99 (> 0.75, sensitivity 0.96 and precision 0.92)]. The same nucleotide change resulting in the same amino acid change has been previously reported as pathogenic/likely pathogenic with strong evidence (ClinVar ID: VCV000126421 /PMID: 24029078 /3billion dataset). A different missense change at the same codon (p.Gly288Cys) has been reported to be associated with KCNT1-related disorder (ClinVar ID: VCV001486353). Therefore, this variant is classified as Pathogenic according to the recommendation of ACMG/AMP guideline.

Genomic Medicine Center of Excellence, King Faisal Specialist Hospital and Research Centre
Classification: Pathogenic for Developmental and epileptic encephalopathy, 14. Last evaluated: 2024-03-14. Review status: criteria provided, single submitter. Criteria: ACMG Guidelines, 2015. Collection method: research. Allele origin: germline.

GeneDx
Classification: Pathogenic. Last evaluated: 2023-05-31. Review status: criteria provided, single submitter. Criteria: GeneDx Variant Classification Process June 2021. Collection method: clinical testing. Allele origin: germline. Affected: yes.
Comment: Published functional studies demonstrate a damaging effect; KCNT1 channels with the G288S variant displayed increased maximal current density, a larger instantaneous component of current activation, and more hyperpolarized voltages, suggesting a gain-of-function effect (Rizzo et al., 2016); Not observed at significant frequency in large population cohorts (gnomAD); In silico analysis supports that this missense variant has a deleterious effect on protein structure/function; In silico analysis is inconclusive as to whether the variant alters gene splicing. In the absence of RNA/functional studies, the actual effect of this sequence change is unknown.; This variant is associated with the following publications: (PMID: 26784557, 24029078, 25482562, 26993267, 26597493, 30185235, 31532594, 31054490, 30782581, 31872048, 32167590, 31216405, 31170314, 36007526, 31440721, 35715422, 34114611, 34489640, 33851778, 33726816, 34020146)

Blueprint Genetics
Classification: Pathogenic for KCNT1-related disorders. Last evaluated: 2023-05-22. Review status: criteria provided, single submitter. Criteria: ACMG Guidelines, 2015. Collection method: clinical testing. Allele origin: de novo. Affected: yes. Observed: 5 variant alleles.

CeGaT Center for Human Genetics Tuebingen
Classification: Pathogenic. Last evaluated: 2022-11-01. Review status: criteria provided, single submitter. Criteria: CeGaT Center For Human Genetics Tuebingen Variant Classification Criteria Version 2. Collection method: clinical testing. Allele origin: germline. Affected: yes. Observed: 1 variant allele.
Comment: KCNT1: PS2:Very Strong, PM2, PS3:Supporting, PS4:Supporting

Revvity Omics, Revvity
Classification: Pathogenic. Last evaluated: 2022-05-10. Review status: criteria provided, single submitter. Criteria: ACMG Guidelines, 2015. Collection method: clinical testing. Allele origin: germline.

Mayo Clinic Laboratories, Mayo Clinic
Classification: Pathogenic. Last evaluated: 2022-02-04. Review status: criteria provided, single submitter. Criteria: ACMG Guidelines, 2015. Collection method: clinical testing. Allele origin: germline. Observed: 2 variant alleles.
Comment: PS2, PS3, PS4, PM1, PM2

Victorian Clinical Genetics Services, Murdoch Childrens Research Institute
Classification: Pathogenic for Developmental and epileptic encephalopathy, 14. Last evaluated: 2020-05-25. Review status: criteria provided, single submitter. Criteria: ACMG Guidelines, 2015. Collection method: clinical testing. Allele origin: germline. Inheritance: Autosomal dominant inheritance. Affected: yes.
Comment: Based on the classification scheme VCGS_Germline_v1.1.1, this variant is classified as Pathogenic. Following criteria are met: 0101 - Gain-of-function is a known mechanism of disease for this gene (PMID 26784557). (N) 0107 - This gene is known to be associated with autosomal dominant disease. (N) 0200 - Variant is predicted to result in a missense amino acid change from a glycine to a serine (exon 11). (N) 0251 - Variant is heterozygous. (N) 0301 - Variant is absent from gnomAD. (P) 0501 - Missense variant consistently predicted to be damaging by multiple in silico tools and is very highly conserved with a minor amino acid change. (P) 0600 - Variant is located in an annotated domain or motif (helical region of the ion transport domain). (N) 0705 - No comparable variants have previous evidence for pathogenicity. (N) 0801 - Strong previous evidence of pathogenicity in unrelated individuals (ClinVar, PMID 26140313, PMID 26784557). (P) 0905 - No segregation evidence has been identified for this variant. (N) 1002 - Moderate functional evidence supporting abnormal protein function. Functional studies with this variant demonstrated gain of function effects on channel function (PMID 26784557). (N) Legend: (P) - Pathogenic, (N) - Neutral, (B) - Benign

Cambridge Genomics Laboratory, East Genomic Laboratory Hub, NHS Genomic Medicine Service
Classification: Pathogenic for Epilepsy. Last evaluated: 2020-03-02. Review status: criteria provided, single submitter. Criteria: ACGS Best Practice Guidelines for Variant Classification in Rare Disease 2020. Collection method: clinical testing. Allele origin: germline. Affected: yes. Observed: 1 variant allele.